The following is an entry in ClinVar:

NM_004972.4(JAK2):c.3222C>T (p.Ile1074=)

Genes: INSL6 (insulin like 6; minus strand), JAK2 (Janus kinase 2; plus strand). Cytogenetic location: 9p24.1.
Variant type: single nucleotide variant.
Coding change: c.3222C>T on transcript NM_004972.4 (MANE Select); coding-DNA position 3222, C replaced by T.
Protein change: p.Ile1074=; no amino-acid change (isoleucine 1074 retained).
Molecular consequence: synonymous variant. On other transcripts: non-coding transcript variant (2).
Genome position (GRCh38, 1-based): chr9:5,126,377, C>T. VCF-style: chr9-5126377-C-T. GRCh37 (hg19) VCF-style: chr9-5126377-C-T.
Other names: c.3222C>T, p.Ile1074= (NM_001322194.2, NM_001322195.2, NM_001322196.2); c.2007C>T, p.Ile669= (NM_001322198.2, NM_001322199.2); c.2775C>T, p.Ile925= (NM_001322204.2).
Identifiers: ClinVar variation 2754956 (VCV002754956.3), dbSNP rs746894598, ClinGen allele CA4972393.

ClinVar aggregate classification (germline): Uncertain significance (1 of 4 stars; one submission).

Allele frequency attached by ClinVar (database versions not stated): gnomAD exomes 0.00002; TOPMed 0.00002; gnomAD 0.00003; ExAC 0.00009.
gnomAD v4.1: 39 of 1,610,692 alleles (0.0024%); highest among the groups gnomAD compares: Non-Finnish European, 0.003%; no homozygotes.

Submission:

Labcorp Genetics (formerly Invitae), Labcorp
Classification: Uncertain significance. Last evaluated: 2023-09-19. Review status: criteria provided, single submitter. Criteria: Invitae Variant Classification Sherloc (09022015). Collection method: clinical testing. Allele origin: germline.
Comment: In summary, the available evidence is currently insufficient to determine the role of this variant in disease. Therefore, it has been classified as a Variant of Uncertain Significance. Algorithms developed to predict the effect of sequence changes on RNA splicing suggest that this variant may create or strengthen a splice site. This variant has not been reported in the literature in individuals affected with JAK2-related conditions. This variant is present in population databases (rs746894598, gnomAD 0.01%). This sequence change affects codon 1074 of the JAK2 mRNA. It is a 'silent' change, meaning that it does not change the encoded amino acid sequence of the JAK2 protein.